The following is an entry in ClinVar:

ClinVar aggregate classification (germline): Uncertain significance (1 of 4 stars; one submission).

Allele frequency attached by ClinVar (database versions not stated): TOPMed below 0.00001; ExAC 0.00001; gnomAD 0.00001; gnomAD exomes 0.00004.

Submission:

GeneDx
Classification: Uncertain significance. Last evaluated: 2023-04-25. Review status: criteria provided, single submitter. Criteria: GeneDx Variant Classification Process June 2021. Collection method: clinical testing. Allele origin: germline. Affected: yes.
Comment: In silico analysis supports that this missense variant does not alter protein structure/function; Has not been previously published as pathogenic or benign to our knowledge

NM_003361.4(UMOD):c.1336C>G (p.Leu446Val)

Gene: UMOD (uromodulin; minus strand). Cytogenetic location: 16p12.3.
Variant type: single nucleotide variant.
Coding change: c.1336C>G on transcript NM_003361.4 (MANE Select); coding-DNA position 1336, C replaced by G.
Protein change: p.Leu446Val; replaces leucine 446 with valine.
Molecular consequence: missense variant. On other transcripts: non-coding transcript variant (1).
Genome position (GRCh38, 1-based): chr16:20,341,332, G>C on the plus strand (C>G on the coding strand, the complement: UMOD is on the minus strand). VCF-style: chr16-20341332-G-C. GRCh37 (hg19) VCF-style: chr16-20352654-G-C.
Other names: c.1336C>G, p.Leu446Val (NM_001008389.3, NM_001378232.1, NM_001378233.1); c.1435C>G, p.Leu479Val (NM_001278614.2); c.1477C>G, p.Leu493Val (NM_001378234.1, NM_001378235.1); short protein forms L446V, L479V, L493V.
Identifiers: ClinVar variation 2500679 (VCV002500679.1), dbSNP rs750778603, ClinGen allele CA7939172.